The following is an entry in ClinVar:

NM_001378120.1(MBD5):c.2331C>A (p.Asn777Lys)

Gene: MBD5 (methyl-CpG binding domain protein 5; plus strand). Cytogenetic location: 2q23.1.
Variant type: single nucleotide variant.
Coding change: c.2331C>A on transcript NM_001378120.1 (MANE Select); coding-DNA position 2331, C replaced by A.
Protein change: p.Asn777Lys; replaces asparagine 777 with lysine.
Molecular consequence: missense variant.
Genome position (GRCh38, 1-based): chr2:148,470,274, C>A. VCF-style: chr2-148470274-C-A. GRCh37 (hg19) VCF-style: chr2-149227843-C-A.
Other names: c.2331C>A, p.Asn777Lys (NM_018328.5); short protein forms N777K.
Identifiers: ClinVar variation 962462 (VCV000962462.10), dbSNP rs865860163, ClinGen allele CA57579722.

ClinVar aggregate classification (germline): Uncertain significance (1 of 4 stars; one submission).

Conditions:
Intellectual developmental disorder, autosomal dominant 1. Also called: Intellectual disability, autosomal dominant 1; MBD5 Haploinsufficiency. Identifiers: Orphanet 228402, MedGen C1969562, MONDO:0007974, OMIM 156200.

Allele frequency attached by ClinVar (database versions not stated): gnomAD 0.00001.
gnomAD v4.1: 2 of 1,613,886 alleles (0.00012%); highest among the groups gnomAD compares: Admixed American, 0.0017%; no homozygotes.

Submission:

Labcorp Genetics (formerly Invitae), Labcorp
Classification: Uncertain significance for Intellectual developmental disorder, autosomal dominant 1. Last evaluated: 2024-06-26. Review status: criteria provided, single submitter. Criteria: Invitae Variant Classification Sherloc (09022015). Collection method: clinical testing. Allele origin: germline.
Comment: This sequence change replaces asparagine, which is neutral and polar, with lysine, which is basic and polar, at codon 777 of the MBD5 protein (p.Asn777Lys). This variant is not present in population databases (gnomAD no frequency). This variant has not been reported in the literature in individuals affected with MBD5-related conditions. ClinVar contains an entry for this variant (Variation ID: 962462). Advanced modeling of protein sequence and biophysical properties (such as structural, functional, and spatial information, amino acid conservation, physicochemical variation, residue mobility, and thermodynamic stability) performed at Invitae indicates that this missense variant is not expected to disrupt MBD5 protein function with a negative predictive value of 80%. In summary, the available evidence is currently insufficient to determine the role of this variant in disease. Therefore, it has been classified as a Variant of Uncertain Significance.